The following is an entry in ClinVar:

ClinVar aggregate classification (germline): Likely benign. Review status: criteria provided, multiple submitters, no conflicts (2 of 4 stars). 2 submissions from 2 submitters: Likely benign (2). Last evaluated 2018-06-14.

Allele frequency attached by ClinVar (database versions not stated): gnomAD exomes 0.00048 and 0.00128; ExAC 0.00178; gnomAD 0.00509 and 0.00542; ESP Exome Variant Server 0.00577; 1000 Genomes Project 0.00579; TOPMed 0.00579; 1000 Genomes Project 30x 0.00640.
gnomAD v4.1: 1,482 of 1,607,074 alleles (0.092%); highest among the groups gnomAD compares: African/African-American, 1.7%; 14 homozygotes.

Submissions (2):

GeneDx
Classification: Likely benign. Last evaluated: 2018-06-14. Review status: criteria provided, single submitter. Criteria: GeneDx Variant Classification (06012015). Collection method: clinical testing. Allele origin: germline. Affected: yes.
Comment: This variant is considered likely benign or benign based on one or more of the following criteria: it is a conservative change, it occurs at a poorly conserved position in the protein, it is predicted to be benign by multiple in silico algorithms, and/or has population frequency not consistent with disease.

Breakthrough Genomics
Classification: Likely benign. Review status: criteria provided, single submitter. Criteria: ACMG Guidelines, 2015. Collection method: not provided. Allele origin: germline. Inheritance: Unknown mechanism. Affected: yes.

NM_001375808.2(LPIN2):c.1793+23G>A

Gene: LPIN2 (lipin 2; minus strand). Cytogenetic location: 18p11.31.
Variant type: single nucleotide variant.
Coding change: c.1793+23G>A on transcript NM_001375808.2 (MANE Select); 23 bases into the intron after coding-DNA position 1793, G replaced by A.
Molecular consequence: intron variant.
Genome position (GRCh38, 1-based): chr18:2,926,700, C>T on the plus strand (G>A on the coding strand, the complement: LPIN2 is on the minus strand). VCF-style: chr18-2926700-C-T. GRCh37 (hg19) VCF-style: chr18-2926698-C-T.
Other names: c.1793+23G>A (NM_014646.2, NM_001375809.1).
Identifiers: ClinVar variation 675776 (VCV000675776.2), dbSNP rs111549482, ClinGen allele CA8872962.